The following is an entry in ClinVar:

ClinVar aggregate classification (germline): Uncertain significance (1 of 4 stars; one submission).

Conditions:
Nemaline myopathy 2 (NEM2). Also called: Nemaline myopathy 2, autosomal recessive. Identifiers: MedGen C1850569, MONDO:0009725, OMIM 256030.

Submission:

Labcorp Genetics (formerly Invitae), Labcorp
Classification: Uncertain significance for Nemaline myopathy 2. Last evaluated: 2016-06-22. Review status: criteria provided, single submitter. Criteria: Invitae Variant Classification Sherloc (09022015). Collection method: clinical testing. Allele origin: germline.
Comment: This sequence change replaces glutamine with arginine at codon 4351 of the NEB protein (p.Gln4351Arg). The glutamine residue is weakly conserved and there is a small physicochemical difference between glutamine and arginine. This variant occurs in a region of NEB (Exons 82-105) consisting of three highly homologous 8-exon repeat units (exons 82-89, exons 90-97, exons 98-105). Sequence variants in this region can be detected, but this assay cannot determine which of the three repeat units is affected, and zygosity is often ambiguous. All variants in this region are reported relative to the exon 82-89 repeat. Algorithms developed to predict the effect of missense changes on protein structure and function do not agree on the potential impact of this missense change. In summary, this variant is a novel missense change that is not predicted to affect protein function. Missense variants in the NEB gene are typically not pathogenic, and there is no indication that this variant causes disease. However, the available evidence is currently insufficient to prove that conclusively. Therefore, it has been classified as a Variant of Uncertain Significance.

NM_001164508.2(NEB):c.13052A>G (p.Gln4351Arg)

Gene: NEB (nebulin; minus strand). Cytogenetic location: 2q23.3.
Variant type: single nucleotide variant.
Coding change: c.13052A>G on transcript NM_001164508.2 (MANE Select); coding-DNA position 13052, A replaced by G.
Protein change: p.Gln4351Arg; replaces glutamine 4351 with arginine.
Molecular consequence: missense variant. On other transcripts: intron variant (1).
Genome position (GRCh38, 1-based): chr2:151,604,567, T>C on the plus strand (A>G on the coding strand, the complement: NEB is on the minus strand). VCF-style: chr2-151604567-T-C. GRCh37 (hg19) VCF-style: chr2-152461081-T-C.
Other names: c.13052A>G, p.Gln4351Arg (NM_001164507.2, NM_001271208.2); c.11601+5242A>G (NM_004543.5); short protein forms Q4351R.
Identifiers: ClinVar variation 465470 (VCV000465470.2), dbSNP rs1553871396, ClinGen allele CA348772689.